The following is an entry in ClinVar:

ClinVar aggregate classification (germline): Uncertain significance (1 of 4 stars; one submission).

Allele frequency attached by ClinVar (database versions not stated): ExAC 0.00002; gnomAD 0.00003; TOPMed 0.00004; gnomAD exomes 0.00005; ESP Exome Variant Server 0.00008.
gnomAD v4.1: 85 of 1,613,828 alleles (0.0053%); highest among the groups gnomAD compares: Non-Finnish European, 0.0068%; no homozygotes.

Submission:

Labcorp Genetics (formerly Invitae), Labcorp
Classification: Uncertain significance. Last evaluated: 2025-03-14. Review status: criteria provided, single submitter. Criteria: Invitae Variant Classification Sherloc (09022015). Collection method: clinical testing. Allele origin: germline.
Comment: This sequence change creates a premature translational stop signal (p.Trp495*) in the ADGRE2 gene. It is expected to result in an absent or disrupted protein product. However, the current clinical and genetic evidence is not sufficient to establish whether loss-of-function variants in ADGRE2 cause disease. This variant is present in population databases (rs150442380, gnomAD 0.006%). This variant has not been reported in the literature in individuals affected with ADGRE2-related conditions. ClinVar contains an entry for this variant (Variation ID: 1986289). In summary, the available evidence is currently insufficient to determine the role of this variant in disease. Therefore, it has been classified as a Variant of Uncertain Significance.

NM_013447.4(ADGRE2):c.1485G>A (p.Trp495Ter)

Gene: ADGRE2 (adhesion G protein-coupled receptor E2; minus strand). Cytogenetic location: 19p13.12.
Variant type: single nucleotide variant.
Coding change: c.1485G>A on transcript NM_013447.4 (MANE Select); coding-DNA position 1485, G replaced by A.
Protein change: p.Trp495Ter; replaces tryptophan 495 with a stop codon.
Molecular consequence: nonsense. On other transcripts: intron variant (1).
Genome position (GRCh38, 1-based): chr19:14,755,059, C>T on the plus strand (G>A on the coding strand, the complement: ADGRE2 is on the minus strand). VCF-style: chr19-14755059-C-T. GRCh37 (hg19) VCF-style: chr19-14865871-C-T.
Other names: c.1416+595G>A (NM_001271052.1); short protein forms W495*.
Identifiers: ClinVar variation 1986289 (VCV001986289.3), dbSNP rs150442380, ClinGen allele CA9257693.